The following is an entry in ClinVar:

NM_001267550.2(TTN):c.62597del (p.Gly20866fs)

Genes: TTN-AS1 (TTN antisense RNA 1; plus strand), TTN (titin; minus strand). Cytogenetic location: 2q31.2.
Variant type: Deletion.
Coding change: c.62597del on transcript NM_001267550.2 (MANE Select); coding-DNA position 62597, one base deleted (G; older notation c.62597delG).
Protein change: p.Gly20866fs; shifts the reading frame from glycine 20866.
Molecular consequence: frameshift variant.
Genome position (GRCh38, 1-based): chr2:178,589,128, C deleted on the plus strand (G on the coding strand, the reverse complement: TTN is on the minus strand); the first of 2 consecutive C bases (chr2:178,589,128-178,589,129); deleting either gives the same sequence. VCF-style (leftmost placement, unchanged base first): chr2-178589127-AC-A. GRCh37 (hg19) VCF-style: chr2-179453854-AC-A.
Other names: c.57674delG (NM_001256850.1); c.57674del, p.Gly19225fs (NM_001256850.1); c.35402del, p.Gly11801fs (NM_003319.4); c.54893del, p.Gly18298fs (NM_133378.4); c.35777del, p.Gly11926fs (NM_133432.3); c.35978del, p.Gly11993fs (NM_133437.4); short protein forms G11993fs, G11801fs, G18298fs, G19225fs, G20866fs, G11926fs.
Identifiers: ClinVar variation 817669 (VCV000817669.11), dbSNP rs1576066084, ClinGen allele CA915942219.

ClinVar aggregate classification (germline): Likely pathogenic. Review status: criteria provided, multiple submitters, no conflicts (2 of 4 stars). 2 submissions from 2 submitters: Likely pathogenic (2). Last evaluated 2022-07-25.

Conditions:
Autosomal recessive limb-girdle muscular dystrophy type 2J (LGMDR10). Also called: Limb-girdle muscular dystrophy, type 2J; MUSCULAR DYSTROPHY, LIMB-GIRDLE, AUTOSOMAL RECESSIVE 10. Identifiers: Orphanet 140922, MedGen C1837342, MONDO:0012127, OMIM 608807.
Dilated cardiomyopathy 1G (CMD1G). Identifiers: Orphanet 154, MedGen C1858763, MONDO:0011400, OMIM 604145.

Submissions (2):

Labcorp Genetics (formerly Invitae), Labcorp
Classification: Likely pathogenic for Dilated cardiomyopathy 1G; Autosomal recessive limb-girdle muscular dystrophy type 2J. Last evaluated: 2022-07-25. Review status: criteria provided, single submitter. Criteria: Invitae Variant Classification Sherloc (09022015). Collection method: clinical testing. Allele origin: germline.
Comment: In summary, the currently available evidence indicates that the variant is pathogenic, but additional data are needed to prove that conclusively. Therefore, this variant has been classified as Likely Pathogenic. This variant is located in the A band of TTN (PMID: 25589632). Truncating variants in this region are significantly overrepresented in patients affected with dilated cardiomyopathy (PMID: 25589632). Truncating variants in this region have also been reported in individuals affected with autosomal recessive centronuclear myopathy (PMID: 23975875). ClinVar contains an entry for this variant (Variation ID: 817669). This variant has not been reported in the literature in individuals affected with TTN-related conditions. This variant is not present in population databases (gnomAD no frequency). This sequence change creates a premature translational stop signal (p.Gly20866Valfs*3) in the TTN gene. While this is not anticipated to result in nonsense mediated decay, it is expected to create a truncated TTN protein.

GeneDx
Classification: Likely pathogenic. Last evaluated: 2018-05-22. Review status: criteria provided, single submitter. Criteria: GeneDx Variant Classification (06012015). Collection method: clinical testing. Allele origin: germline. Affected: yes.
Comment: The c.57674delG likely pathogenic variant in the TTN gene has not been reported as pathogenic or benign to our knowledge. This variant causes a shift in reading frame starting at codon Glycine 19225, changing it to a Valine, and creating a premature stop codon at position 3 of the new reading frame, denoted p.Gly19225ValfsX3. This variant is expected to result in either an abnormal, truncated protein product or loss of protein from this allele through nonsense-mediated mRNA decay. Other truncating TTN variants have been reported in approximately 3% of control alleles (Herman et al., 2012). However, c.57674delG is located in the A-band region of titin, where the majority of truncating pathogenic variants associated with DCM have been reported (Herman et al., 2012). Moreover, the c.57674delG variant has not been observed in large population cohorts (Lek et al., 2016). Nevertheless, segregation and functional study date are not available at this time to further support the pathogenicity of this variant.

Literature cited by the submitters: PubMed 25589632 (cited by Labcorp Genetics (formerly Invitae), Labcorp); PubMed 23975875 (cited by Labcorp Genetics (formerly Invitae), Labcorp).